The following is an entry in ClinVar:

NM_001378183.1(PIEZO2):c.3011G>A (p.Arg1004His)

Gene: PIEZO2 (piezo type mechanosensitive ion channel component 2; minus strand). Cytogenetic location: 18p11.22.
Variant type: single nucleotide variant.
Coding change: c.3011G>A on transcript NM_001378183.1 (MANE Select); coding-DNA position 3011, G replaced by A.
Protein change: p.Arg1004His; replaces arginine 1004 with histidine.
Molecular consequence: missense variant.
Genome position (GRCh38, 1-based): chr18:10,763,034, C>T on the plus strand (G>A on the coding strand, the complement: PIEZO2 is on the minus strand). VCF-style: chr18-10763034-C-T. GRCh37 (hg19) VCF-style: chr18-10763032-C-T.
Other names: c.3011G>A, p.Arg1004His (NM_001410871.1); c.2936G>A, p.Arg979His (NM_022068.4); c.2936G>A (NM_022068.2); short protein forms R1004H, R979H.
Identifiers: ClinVar variation 4703955 (VCV004703955.2).

ClinVar aggregate classification (germline): Uncertain significance. Review status: criteria provided, multiple submitters, no conflicts (2 of 4 stars). 2 submissions from 2 submitters: Uncertain significance (2). Last evaluated 2026-03-07.

gnomAD v4.1: 10 of 1,537,136 alleles (0.00065%); highest among the groups gnomAD compares: Admixed American, 0.0039%; no homozygotes.

Submissions (2):

GeneDx
Classification: Uncertain significance. Last evaluated: 2026-03-07. Review status: criteria provided, single submitter. Criteria: GeneDx Variant Classification Process June 2021. Collection method: clinical testing. Allele origin: germline.
Comment: In silico analysis supports that this missense variant has a deleterious effect on protein structure/function; Has not been previously published as pathogenic or benign to our knowledge

Labcorp Genetics (formerly Invitae), Labcorp
Classification: Uncertain significance. Last evaluated: 2025-10-09. Review status: criteria provided, single submitter. Criteria: Invitae Variant Classification Sherloc (09022015). Collection method: clinical testing. Allele origin: germline.
Comment: This sequence change replaces arginine, which is basic and polar, with histidine, which is basic and polar, at codon 979 of the PIEZO2 protein (p.Arg979His). This variant is present in population databases (no rsID available, gnomAD 0.01%). This variant has not been reported in the literature in individuals affected with PIEZO2-related conditions. Invitae Evidence Modeling of protein sequence and biophysical properties (such as structural, functional, and spatial information, amino acid conservation, physicochemical variation, residue mobility, and thermodynamic stability) indicates that this missense variant is not expected to disrupt PIEZO2 protein function with a negative predictive value of 80%. In summary, the available evidence is currently insufficient to determine the role of this variant in disease. Therefore, it has been classified as a Variant of Uncertain Significance.